The following is an entry in ClinVar:

NM_004958.4(MTOR):c.3607C>G (p.Arg1203Gly)

Gene: MTOR (mechanistic target of rapamycin kinase; minus strand). Cytogenetic location: 1p36.22.
Variant type: single nucleotide variant.
Coding change: c.3607C>G on transcript NM_004958.4 (MANE Select); coding-DNA position 3607, C replaced by G.
Protein change: p.Arg1203Gly; replaces arginine 1203 with glycine.
Molecular consequence: missense variant.
Genome position (GRCh38, 1-based): chr1:11,210,861, G>C on the plus strand (C>G on the coding strand, the complement: MTOR is on the minus strand). VCF-style: chr1-11210861-G-C. GRCh37 (hg19) VCF-style: chr1-11270918-G-C.
Other names: c.3607C>G (LRG_734t1); short protein forms R1203G.
Identifiers: ClinVar variation 450881 (VCV000450881.3), dbSNP rs756418718, ClinGen allele CA590180.

ClinVar aggregate classification (germline): Uncertain significance (1 of 4 stars; one submission).

Allele frequency attached by ClinVar (database versions not stated): ExAC 0.00001.
gnomAD v4.1: 5 of 1,613,846 alleles (0.00031%); highest among the groups gnomAD compares: Non-Finnish European, 0.00042%; no homozygotes.

Submission:

GeneDx
Classification: Uncertain significance. Last evaluated: 2025-11-06. Review status: criteria provided, single submitter. Criteria: GeneDx Variant Classification Process June 2021. Collection method: clinical testing. Allele origin: germline. Affected: yes.
Comment: Not observed at significant frequency in large population cohorts (gnomAD); In silico analysis supports that this missense variant has a deleterious effect on protein structure/function; Has not been previously published as pathogenic or benign to our knowledge